The following is an entry in ClinVar:

ClinVar aggregate classification (germline): Uncertain significance. Review status: criteria provided, multiple submitters, no conflicts (2 of 4 stars). 4 submissions from 4 submitters: Uncertain significance (4). Last evaluated 2024-09-15.

Conditions:
Inborn genetic diseases. Identifiers: MedGen C0950123, MeSH D030342.

Allele frequency attached by ClinVar (database versions not stated): TOPMed 0.00001.
gnomAD v4.1: 19 of 1,612,918 alleles (0.0012%); highest among the groups gnomAD compares: Non-Finnish European, 0.0014%; no homozygotes.

Submissions (4):

Blueprint Genetics
Classification: Uncertain significance. Last evaluated: 2024-09-15. Review status: criteria provided, single submitter. Criteria: ACMG Guidelines, 2015. Collection method: clinical testing. Allele origin: germline.

Ambry Genetics
Classification: Uncertain significance for Inborn genetic diseases. Last evaluated: 2021-07-20. Review status: criteria provided, single submitter. Criteria: Ambry Variant Classification Scheme 2023. Collection method: clinical testing. Allele origin: germline.

GeneDx
Classification: Uncertain significance. Last evaluated: 2019-04-16. Review status: criteria provided, single submitter. Criteria: GeneDx Variant Classification Process June 2021. Collection method: clinical testing. Allele origin: germline. Affected: yes.
Comment: In silico analysis, which includes protein predictors and evolutionary conservation, supports a deleterious effect; Has not been previously published as pathogenic or benign to our knowledge

Labcorp Genetics (formerly Invitae), Labcorp
Classification: Uncertain significance. Last evaluated: 2018-05-25. Review status: criteria provided, single submitter. Criteria: Invitae Variant Classification Sherloc (09022015). Collection method: clinical testing. Allele origin: germline.
Comment: This sequence change replaces proline with arginine at codon 344 of the VARS protein (p.Pro344Arg). The proline residue is highly conserved and there is a moderate physicochemical difference between proline and arginine. This variant is not present in population databases (ExAC no frequency). This variant has not been reported in the literature in individuals with VARS-related disease. Algorithms developed to predict the effect of missense changes on protein structure and function (SIFT, PolyPhen-2, Align-GVGD) all suggest that this variant is likely to be disruptive, but these predictions have not been confirmed by published functional studies and their clinical significance is uncertain. In summary, the available evidence is currently insufficient to determine the role of this variant in disease. Therefore, it has been classified as a Variant of Uncertain Significance.

NM_006295.3(VARS1):c.1031C>G (p.Pro344Arg)

Gene: VARS1 (valyl-tRNA synthetase 1; minus strand). Cytogenetic location: 6p21.33.
Variant type: single nucleotide variant.
Coding change: c.1031C>G on transcript NM_006295.3 (MANE Select); coding-DNA position 1031, C replaced by G.
Protein change: p.Pro344Arg; replaces proline 344 with arginine.
Molecular consequence: missense variant.
Genome position (GRCh38, 1-based): chr6:31,791,679, G>C on the plus strand (C>G on the coding strand, the complement: VARS1 is on the minus strand). VCF-style: chr6-31791679-G-C. GRCh37 (hg19) VCF-style: chr6-31759456-G-C.
Other names: short protein forms P344R.
Identifiers: ClinVar variation 1004093 (VCV001004093.12), dbSNP rs752053473, ClinGen allele CA363474713.
Genomic context (GRCh38, chr6:31,791,679, plus strand): 5'-AGGGAGTCCTGGATGGCGTTGGTGAGTGCATGGCCCAGGTGCAGGGAGCCTGTCACATTG[G>C]GGGGTGGGATGCACATCATGAAGACACCTCGGGGATTTGCTGCTGACACATTAGGACGCT-3'
Protein context (NP_006286.1, residues 334-354): RGVFMMCIPP[Pro344Arg]NVTGSLHLGH